The following is an entry in ClinVar:

Single allele

Gene: DMD (dystrophin; minus strand). Cytogenetic location: Xp21.2-21.1.
Variant type: Deletion.
Identifiers: ClinVar variation 4682457 (VCV004682457.1).

ClinVar aggregate classification (germline): Pathogenic (1 of 4 stars; one submission).

Submission:

Athena Diagnostics
Classification: Pathogenic. Last evaluated: 2025-05-15. Review status: criteria provided, single submitter. Criteria: Athena Diagnostics Criteria. Collection method: clinical testing. Allele origin: unknown.
Comment: This variant is expected to result in the loss of a functional protein. Similar deletions have not been reported in large, multi-ethnic general populations. A similar deletion of exons 56-61 has been identified in at least one individual with Duchenne muscular dystrophy (DMD).

Literature cited by the submitters: PubMed 26968818; PubMed 20847377.